The following is an entry in ClinVar:

NM_000444.6(PHEX):c.1604C>T (p.Thr535Met)

Gene: PHEX (phosphate regulating endopeptidase X-linked; plus strand). Cytogenetic location: Xp22.11.
Variant type: single nucleotide variant.
Coding change: c.1604C>T on transcript NM_000444.6 (MANE Select); coding-DNA position 1604, C replaced by T.
Protein change: p.Thr535Met; replaces threonine 535 with methionine.
Molecular consequence: missense variant.
Genome position (GRCh38, 1-based): chrX:22,190,461, C>T. VCF-style: chrX-22190461-C-T. GRCh37 (hg19) VCF-style: chrX-22208578-C-T.
Other names: c.1604C>T (NM_000444.5); c.1604C>T, p.Thr535Met (NM_001282754.2); short protein forms T535M.
Identifiers: ClinVar variation 2910482 (VCV002910482.4), dbSNP rs1361761907, ClinGen allele CA412575060.
Genomic context (GRCh38, chrX:22,190,461, plus strand): 5'-TATAATGATGATTGCTCTCTGGCATTTGTTTCTTTTTCTACAGGTGGTTTACAAATCCGA[C>T]GACTGTCAATGCCTTCTACAGTGCATCCACCAACCAGATCCGTGAGTACGGGTTCCTTGT-3'
Protein context (NP_000435.3, residues 525-545): VPKTEWFTNP[Thr535Met]TVNAFYSAST

ClinVar aggregate classification (germline): Uncertain significance. Review status: criteria provided, single submitter (1 of 4 stars). 2 submissions from 2 submitters: Uncertain significance (1). 1 of the submissions does not count toward it. Last evaluated 2023-04-18.

Conditions:
PHEX-related disorder. Also called: PHEX-related condition.

Allele frequency attached by ClinVar (database versions not stated): gnomAD exomes below 0.00001.
gnomAD v4.1: 1 of 1,200,435 alleles (0.000083%); highest among the groups gnomAD compares: Non-Finnish European, 0.00011%; no homozygotes.

Submissions (2):

Labcorp Genetics (formerly Invitae), Labcorp
Classification: Uncertain significance. Last evaluated: 2023-04-18. Review status: criteria provided, single submitter. Criteria: Invitae Variant Classification Sherloc (09022015). Collection method: clinical testing. Allele origin: germline.
Comment: This variant is present in population databases (no rsID available, gnomAD 0.001%). This sequence change replaces threonine, which is neutral and polar, with methionine, which is neutral and non-polar, at codon 535 of the PHEX protein (p.Thr535Met). This missense change has been observed in individual(s) with hypophosphatemia (PMID: 29644095). In summary, the available evidence is currently insufficient to determine the role of this variant in disease. Therefore, it has been classified as a Variant of Uncertain Significance. Advanced modeling of protein sequence and biophysical properties (such as structural, functional, and spatial information, amino acid conservation, physicochemical variation, residue mobility, and thermodynamic stability) performed at Invitae indicates that this missense variant is expected to disrupt PHEX protein function.

PreventionGenetics, part of Exact Sciences
Classification: Uncertain significance for PHEX-related condition. Last evaluated: 2024-05-23. Review status: no assertion criteria provided. Collection method: clinical testing. Allele origin: germline. Not counted in ClinVar's aggregate classification.
Comment: The PHEX c.1604C>T variant is predicted to result in the amino acid substitution p.Thr535Met. This variant has been reported in an individual with hypophosphatemia and congenital heart defects. This variant was reported to be maternally-inherited but clinical information of the mother was not available (Table S3, Farnaes et al. 2018. PubMed ID: 29644095; Sweeney et al. 2021. PubMed ID: 33888711; Table S1, De La Vega et al. 2021. PubMed ID: 34645491). This variant is reported in 0.0012% of alleles in individuals of European (Non-Finnish) descent in gnomAD. At this time, the clinical significance of this variant is uncertain due to the absence of conclusive functional and genetic evidence.

Literature cited by the submitters: PubMed 29644095 (cited by Labcorp Genetics (formerly Invitae), Labcorp).